The following is an entry in ClinVar:

ClinVar aggregate classification (germline): Uncertain significance. Review status: criteria provided, multiple submitters, no conflicts (2 of 4 stars). 2 submissions from 2 submitters: Uncertain significance (2). Last evaluated 2025-05-26.

Conditions:
Aortic valve disease 2 (AOVD2). Identifiers: MedGen C3542024, MONDO:0013902, OMIM 614823.
Cardiovascular phenotype. Identifiers: MedGen CN230736.

Allele frequency attached by ClinVar (database versions not stated): ExAC 0.00001; gnomAD 0.00001; gnomAD exomes 0.00001; ESP Exome Variant Server 0.00008.
gnomAD v4.1: 17 of 1,614,052 alleles (0.0011%); highest among the groups gnomAD compares: Admixed American, 0.0017%; no homozygotes.

Submissions (2):

Ambry Genetics
Classification: Uncertain significance for Cardiovascular phenotype. Last evaluated: 2025-05-26. Review status: criteria provided, single submitter. Criteria: Ambry Variant Classification Scheme 2023. Collection method: clinical testing. Allele origin: germline.
Comment: The p.G53E variant (also known as c.158G>A), located in coding exon 2 of the TBX5 gene, results from a G to A substitution at nucleotide position 158. The glycine at codon 53 is replaced by glutamic acid, an amino acid with similar properties. This amino acid position is conserved. In addition, the in silico prediction for this alteration is inconclusive. Based on the available evidence, the clinical significance of this variant remains unclear.

Labcorp Genetics (formerly Invitae), Labcorp
Classification: Uncertain significance for Aortic valve disease 2. Last evaluated: 2023-05-17. Review status: criteria provided, single submitter. Criteria: Invitae Variant Classification Sherloc (09022015). Collection method: clinical testing. Allele origin: germline.
Comment: Advanced modeling of protein sequence and biophysical properties (such as structural, functional, and spatial information, amino acid conservation, physicochemical variation, residue mobility, and thermodynamic stability) performed at Invitae indicates that this missense variant is not expected to disrupt TBX5 protein function. This variant has not been reported in the literature in individuals affected with TBX5-related conditions. In summary, the available evidence is currently insufficient to determine the role of this variant in disease. Therefore, it has been classified as a Variant of Uncertain Significance. This variant is present in population databases (rs369919453, gnomAD 0.003%). This sequence change replaces glycine, which is neutral and non-polar, with glutamic acid, which is acidic and polar, at codon 53 of the TBX5 protein (p.Gly53Glu).

NM_181486.4(TBX5):c.158G>A (p.Gly53Glu)

Gene: TBX5 (T-box transcription factor 5; minus strand). Cytogenetic location: 12q24.21.
Variant type: single nucleotide variant.
Coding change: c.158G>A on transcript NM_181486.4 (MANE Select); coding-DNA position 158, G replaced by A.
Protein change: p.Gly53Glu; replaces glycine 53 with glutamic acid.
Molecular consequence: missense variant.
Genome position (GRCh38, 1-based): chr12:114,401,910, C>T on the plus strand (G>A on the coding strand, the complement: TBX5 is on the minus strand). VCF-style: chr12-114401910-C-T. GRCh37 (hg19) VCF-style: chr12-114839715-C-T.
Other names: c.158G>A, p.Gly53Glu (NM_000192.3); c.8G>A, p.Gly3Glu (NM_080717.4); short protein forms G53E, G3E.
Identifiers: ClinVar variation 2914253 (VCV002914253.5), dbSNP rs369919453, ClinGen allele CA6809689.
Genomic context (GRCh38, chr12:114,401,910, plus strand): 5'-TCCGTGCCCACTTCGTGGAATTTTAGCCACAGTTCTCTTTCATGGAGAAACACTTTGATT[C>T]CCTCCATGCCCTGCAAGAAGGAGAAAAAAGTCACACTAACAAGCCCTGGCAGTAGTGGGC-3'
Protein context (NP_852259.1, residues 43-63): QAAFTQQGME[Gly53Glu]IKVFLHEREL